The following is an entry in ClinVar:

ClinVar aggregate classification (germline): Uncertain significance (1 of 4 stars; one submission).

Conditions:
PCSK1-related disorder. Also called: PCSK1-related condition.

gnomAD v4.1: 6 of 1,614,110 alleles (0.00037%); highest among the groups gnomAD compares: African/African-American, 0.008%; no homozygotes.

Submission:

PreventionGenetics, part of Exact Sciences
Classification: Uncertain significance for PCSK1-related condition. Last evaluated: 2025-07-29. Review status: criteria provided, single submitter. Criteria: ACMG Guidelines, 2015. Collection method: clinical testing. Allele origin: germline.
Comment: The PCSK1 c.2102A>G variant is predicted to result in the amino acid substitution p.Tyr701Cys. This variant was observed in a cohort of obese individuals, and in vitro functional studies showed inconclusive evidence of loss of function (Supplemental Data Set, Shah et al. 2023. PubMed ID: 36864747). This variant is reported in 0.012% of alleles in individuals of African descent in gnomAD. At this time, the clinical significance of this variant is uncertain due to the absence of conclusive functional and genetic evidence.

NM_000439.5(PCSK1):c.2102A>G (p.Tyr701Cys)

Genes: CAST (calpastatin; plus strand), PCSK1 (proprotein convertase subtilisin/kexin type 1; minus strand), LOC101929710 (uncharacterized LOC101929710; plus strand). Cytogenetic location: 5q15.
Variant type: single nucleotide variant.
Coding change: c.2102A>G on transcript NM_000439.5 (MANE Select); coding-DNA position 2102, A replaced by G.
Protein change: p.Tyr701Cys; replaces tyrosine 701 with cysteine.
Molecular consequence: missense variant. On other transcripts: intron variant (11).
Genome position (GRCh38, 1-based): chr5:96,393,161, T>C on the plus strand (A>G on the coding strand, the complement: PCSK1 is on the minus strand). VCF-style: chr5-96393161-T-C. GRCh37 (hg19) VCF-style: chr5-95728865-T-C.
Other names: c.1961A>G, p.Tyr654Cys (NM_001177875.2); c.-175+13509T>C (NM_001423254.1, NM_001423259.1, NM_001423255.1 and 6 more transcripts); c.-103+13509T>C (NM_001423253.1); c.-40+13509T>C (NM_001423258.1); short protein forms Y654C, Y701C.
Identifiers: ClinVar variation 3353407 (VCV003353407.2).